The following is an entry in ClinVar:

NC_000013.10:g.(?_49030329)_(49033979_?)del

Gene: RB1 (RB transcriptional corepressor 1; plus strand). Cytogenetic location: 13q14.2.
Variant type: Deletion.
Identifiers: ClinVar variation 3244125 (VCV003244125.1).

ClinVar aggregate classification (germline): Pathogenic (1 of 4 stars; one submission).

Conditions:
Retinoblastoma (RB1). Also called: RETINOBLASTOMA, SOMATIC. Identifiers: Orphanet 790, MedGen C0035335, MeSH D012175, MONDO:0008380, OMIM 180200, HP:0009919. Disease mechanism: loss of function. Inheritance: Both sporadic and heritable forms are tested..

Submission:

Labcorp Genetics (formerly Invitae), Labcorp
Classification: Pathogenic for Retinoblastoma. Last evaluated: 2022-11-09. Review status: criteria provided, single submitter. Criteria: Invitae Variant Classification Sherloc (09022015). Collection method: clinical testing. Allele origin: unknown.
Comment: For these reasons, this variant has been classified as Pathogenic. A similar copy number variant has been observed in individual(s) with RB1-related conditions (PMID: 14722923). This variant is a gross deletion of the genomic region encompassing exon(s) 19-20 of the RB1 gene. This deletion is out-of-frame, and is expected to create a premature termination codon and result in an absent or disrupted protein product. Loss-of-function variants in RB1 are known to be pathogenic (PMID: 17096365).

Literature cited by the submitters: PubMed 14722923; PubMed 17096365.